The following is an entry in ClinVar:

NM_020433.5(JPH2):c.1795C>G (p.Pro599Ala)

Gene: JPH2 (junctophilin 2; minus strand). Cytogenetic location: 20q13.12.
Variant type: single nucleotide variant.
Coding change: c.1795C>G on transcript NM_020433.5 (MANE Select); coding-DNA position 1795, C replaced by G.
Protein change: p.Pro599Ala; replaces proline 599 with alanine.
Molecular consequence: missense variant.
Genome position (GRCh38, 1-based): chr20:44,115,880, G>C on the plus strand (C>G on the coding strand, the complement: JPH2 is on the minus strand). VCF-style: chr20-44115880-G-C. GRCh37 (hg19) VCF-style: chr20-42744520-G-C.
Other names: short protein forms P599A.
Identifiers: ClinVar variation 2156549 (VCV002156549.5), dbSNP rs745811880, ClinGen allele CA9868603.

ClinVar aggregate classification (germline): Uncertain significance. Review status: criteria provided, multiple submitters, no conflicts (2 of 4 stars). 2 submissions from 2 submitters: Uncertain significance (2). Last evaluated 2025-05-30.

Conditions:
Cardiovascular phenotype. Identifiers: MedGen CN230736.
Hypertrophic cardiomyopathy. Also called: HYPERTROPHIC MYOCARDIOPATHY. Identifiers: Orphanet 217569, MedGen C0007194, MeSH D002312, MONDO:0005045, HP:0001639.

Allele frequency attached by ClinVar (database versions not stated): gnomAD 0.00001; gnomAD exomes 0.00001; ExAC 0.00002; TOPMed 0.00002.

Submissions (2):

Ambry Genetics
Classification: Uncertain significance for Cardiovascular phenotype. Last evaluated: 2025-05-30. Review status: criteria provided, single submitter. Criteria: Ambry Variant Classification Scheme 2023. Collection method: clinical testing. Allele origin: germline.

Labcorp Genetics (formerly Invitae), Labcorp
Classification: Uncertain significance for Hypertrophic cardiomyopathy. Last evaluated: 2022-04-30. Review status: criteria provided, single submitter. Criteria: Invitae Variant Classification Sherloc (09022015). Collection method: clinical testing. Allele origin: germline.
Comment: In summary, the available evidence is currently insufficient to determine the role of this variant in disease. Therefore, it has been classified as a Variant of Uncertain Significance. Algorithms developed to predict the effect of missense changes on protein structure and function (SIFT, PolyPhen-2, Align-GVGD) all suggest that this variant is likely to be tolerated. This variant has not been reported in the literature in individuals affected with JPH2-related conditions. This variant is present in population databases (rs745811880, gnomAD 0.003%). This sequence change replaces proline, which is neutral and non-polar, with alanine, which is neutral and non-polar, at codon 599 of the JPH2 protein (p.Pro599Ala).